The following is an entry in ClinVar:

NM_001384140.1(PCDH15):c.4671+1206G>T

Gene: PCDH15 (protocadherin related 15; minus strand). Cytogenetic location: 10q21.1.
Variant type: single nucleotide variant.
Coding change: c.4671+1206G>T on transcript NM_001384140.1 (MANE Select); 1206 bases into the intron after coding-DNA position 4671, G replaced by T.
Molecular consequence: intron variant. On other transcripts: missense variant (2), 3 prime UTR variant (1).
Genome position (GRCh38, 1-based): chr10:53,809,350, C>A on the plus strand (G>T on the coding strand, the complement: PCDH15 is on the minus strand). VCF-style: chr10-53809350-C-A. GRCh37 (hg19) VCF-style: chr10-55569110-C-A.
Other names: c.4715G>T, p.Gly1572Val (NM_001142769.4); c.*130G>T (NM_001142770.3); c.4694G>T, p.Gly1565Val (NM_001354411.2); c.4476+1206G>T (NM_001354420.2); c.4605+1206G>T (NM_001354429.2); c.4482+1206G>T (NM_001142772.2); c.4497+1206G>T (NM_001142771.2); short protein forms G1565V, G1572V.
Identifiers: ClinVar variation 666905 (VCV000666905.4), dbSNP rs1588875434, ClinGen allele CA376520533.

ClinVar aggregate classification (germline): Uncertain significance (1 of 4 stars; one submission).

Submission:

Laboratory for Molecular Medicine, Mass General Brigham Personalized Medicine
Classification: Uncertain significance. Last evaluated: 2018-05-29. Review status: criteria provided, single submitter. Criteria: LMM Criteria. Collection method: clinical testing. Allele origin: germline. Observed: 1 variant allele.
Comment: The p.Gly1572Val variant in PCDH15 has not been previously reported in individua ls with hearing loss or Usher syndrome and was absent from large population stud ies. Computational prediction tools and conservation analysis suggest that the p .Gly1572Val variant may not impact the protein, though this information is not p redictive enough to rule out pathogenicity. In summary, the clinical significanc e of the p.Gly1572Val variant is uncertain. ACMG/AMP Criteria applied: PM2, BP4.